The following is an entry in ClinVar:

ClinVar aggregate classification (germline): Uncertain significance (1 of 4 stars; one submission).

Submission:

GeneDx
Classification: Uncertain significance. Last evaluated: 2024-11-17. Review status: criteria provided, single submitter. Criteria: GeneDx Variant Classification Process June 2021. Collection method: clinical testing. Allele origin: germline. Affected: yes.
Comment: Not observed at significant frequency in large population cohorts (gnomAD); In-frame duplication of 1 amino acid(s) in a non-repeat region; Has not been previously published as pathogenic or benign to our knowledge

NM_016284.5(CNOT1):c.7027_7029dup (p.Val2343_His2344insVal)

Genes: CNOT1 (CCR4-NOT transcription complex subunit 1; minus strand), SETD6 (SET domain containing 6, protein lysine methyltransferase; plus strand). Cytogenetic location: 16q21.
Variant type: Duplication.
Coding change: c.7027_7029dup on transcript NM_016284.5 (MANE Select); coding-DNA positions 7027 to 7029, 3 bases duplicated (GTA; older notation c.7027_7029dupGTA).
Protein change: p.Val2343_His2344insVal.
Molecular consequence: inframe insertion. On other transcripts: non-coding transcript variant (1), 3 prime UTR variant (1).
Genome position (GRCh38, 1-based): chr16:58,521,206-58,521,208, TAC duplicated on the plus strand (GTA on the coding strand, the reverse complement: CNOT1 is on the minus strand). VCF-style (leftmost placement, unchanged base first): chr16-58521205-G-GTAC. GRCh37 (hg19) VCF-style: chr16-58555109-G-GTAC.
Other names: c.7012_7014dup, p.Val2338_His2339insVal (NM_001265612.2); c.*2177_*2179dup (NM_001160305.4).
Identifiers: ClinVar variation 3899826 (VCV003899826.1).
Genomic context (GRCh38, chr16:58,521,205, plus strand): 5'-TCTCATTCCTAGACAATTAAAAATTACTTTGAACTCACTTTTCGATTTCTGGGGCACAGT[G>GTAC]TACAAATTCATGGTTCCAGAACTTAAACGCTGGGTTTTTAATCAGCTCAATGAAGGTAAT-3'